The following is an entry in ClinVar:

ClinVar aggregate classification (germline): Uncertain significance (1 of 4 stars; one submission).

gnomAD v4.1: 8 of 1,613,932 alleles (0.0005%); highest among the groups gnomAD compares: South Asian, 0.0088%; no homozygotes.

Submission:

Labcorp Genetics (formerly Invitae), Labcorp
Classification: Uncertain significance. Last evaluated: 2024-05-23. Review status: criteria provided, single submitter. Criteria: Invitae Variant Classification Sherloc (09022015). Collection method: clinical testing. Allele origin: germline.
Comment: This sequence change replaces isoleucine, which is neutral and non-polar, with threonine, which is neutral and polar, at codon 576 of the SAMD9 protein (p.Ile576Thr). This variant is present in population databases (rs751349091, gnomAD 0.003%). This variant has not been reported in the literature in individuals affected with SAMD9-related conditions. Advanced modeling of protein sequence and biophysical properties (such as structural, functional, and spatial information, amino acid conservation, physicochemical variation, residue mobility, and thermodynamic stability) has been performed at Invitae for this missense variant, however the output from this modeling did not meet the statistical confidence thresholds required to predict the impact of this variant on SAMD9 protein function. In summary, the available evidence is currently insufficient to determine the role of this variant in disease. Therefore, it has been classified as a Variant of Uncertain Significance.

NM_017654.4(SAMD9):c.1727T>C (p.Ile576Thr)

Gene: SAMD9 (sterile alpha motif domain containing 9; minus strand). Cytogenetic location: 7q21.2.
Variant type: single nucleotide variant.
Coding change: c.1727T>C on transcript NM_017654.4 (MANE Select); coding-DNA position 1727, T replaced by C.
Protein change: p.Ile576Thr; replaces isoleucine 576 with threonine.
Molecular consequence: missense variant.
Genome position (GRCh38, 1-based): chr7:93,104,371, A>G on the plus strand (T>C on the coding strand, the complement: SAMD9 is on the minus strand). VCF-style: chr7-93104371-A-G. GRCh37 (hg19) VCF-style: chr7-92733684-A-G.
Other names: c.1727T>C, p.Ile576Thr (NM_001193307.2); short protein forms I576T.
Identifiers: ClinVar variation 3715302 (VCV003715302.2).